The following is an entry in ClinVar:

NM_002609.4(PDGFRB):c.165G>A (p.Ser55=)

Gene: PDGFRB (platelet derived growth factor receptor beta; minus strand). Cytogenetic location: 5q32.
Variant type: single nucleotide variant.
Coding change: c.165G>A on transcript NM_002609.4 (MANE Select); coding-DNA position 165, G replaced by A.
Protein change: p.Ser55=; no amino-acid change (serine 55 retained).
Molecular consequence: synonymous variant. On other transcripts: 5 prime UTR variant (2).
Genome position (GRCh38, 1-based): chr5:150,135,754, C>T on the plus strand (G>A on the coding strand, the complement: PDGFRB is on the minus strand). VCF-style: chr5-150135754-C-T. GRCh37 (hg19) VCF-style: chr5-149515317-C-T.
Other names: c.-28G>A (NM_001355016.2); c.-353G>A (NM_001355017.2).
Identifiers: ClinVar variation 3600489 (VCV003600489.1).

ClinVar aggregate classification (germline): Uncertain significance (1 of 4 stars; one submission).

Conditions:
Skeletal overgrowth-craniofacial dysmorphism-hyperelastic skin-white matter lesions syndrome. Also called: SKELETAL OVERGROWTH WITH FACIAL DYSMORPHISM, HYPERELASTIC SKIN, WHITE MATTER LESIONS, AND NEUROLOGIC DETERIORATION; Kosaki overgrowth syndrome. Identifiers: Orphanet 477831, MedGen C4225270, MONDO:0014704, OMIM 616592.

gnomAD v4.1: 63 of 1,613,834 alleles (0.0039%); highest among the groups gnomAD compares: African/African-American, 0.0053%; no homozygotes.

Submission:

Clinical Genomics Laboratory, Washington University in St. Louis
Classification: Uncertain significance for Skeletal overgrowth-craniofacial dysmorphism-hyperelastic skin-white matter lesions syndrome. Last evaluated: 2024-07-09. Review status: criteria provided, single submitter. Criteria: ACMG Guidelines, 2015. Collection method: clinical testing. Allele origin: germline.
Comment: A PDGFRB c.165G>A (p.Ser55=) variant was identified at a near heterozygous alellic fraction of 46.3%, a frequency which may be consistent with germline origin. This variant, to our knowledge, has not been reported in the medical literature. This variant is observed on 63/1,613,834 alleles in the general population (gnomAD v.4.1.0). Computational predictors indicate that this variant would alter splicing, evidence that may correlate with impact to PDGFRB function. Due to limited information, and based on ACMG/AMP guidelines for variant interpretation (Richards S et al., PMID: 25741868), the clinical significance of the PDGFRB c.165G>A (p.Ser55=) variant is uncertain at this time.